The following is an entry in ClinVar:

NM_030912.3(TRIM8):c.1102G>A (p.Gly368Ser)

Gene: TRIM8 (tripartite motif containing 8; plus strand). Cytogenetic location: 10q24.32.
Variant type: single nucleotide variant.
Coding change: c.1102G>A on transcript NM_030912.3 (MANE Select); coding-DNA position 1102, G replaced by A.
Protein change: p.Gly368Ser; replaces glycine 368 with serine.
Molecular consequence: missense variant. On other transcripts: non-coding transcript variant (1).
Genome position (GRCh38, 1-based): chr10:102,656,800, G>A. VCF-style: chr10-102656800-G-A. GRCh37 (hg19) VCF-style: chr10-104416557-G-A.
Other names: c.1102G>A (NM_030912.2); c.1006G>A, p.Gly336Ser (NM_001345950.1); short protein forms G336S, G368S.
Identifiers: ClinVar variation 2909466 (VCV002909466.4), dbSNP rs35666765, ClinGen allele CA212267196.
Genomic context (GRCh38, chr10:102,656,800, plus strand): 5'-TCCACAGGCCCCTTCAGCACGCCGGTGCCCTTCCTGCAGAGTGTCCCCCTGTACCCTTGC[G>A]GCGTGAGCAGCTCTGGGGCGGAAAAGCGCAAGCACTCAACGGCCTTCCCAGAGGCCAGTT-3'
Protein context (NP_112174.2, residues 358-378): FLQSVPLYPC[Gly368Ser]VSSSGAEKRK

ClinVar aggregate classification (germline): Uncertain significance. Review status: criteria provided, multiple submitters, no conflicts (2 of 4 stars). 2 submissions from 2 submitters: Uncertain significance (2). Last evaluated 2025-06-12.

Conditions:
Inborn genetic diseases. Identifiers: MedGen C0950123, MeSH D030342.

Allele frequency attached by ClinVar (database versions not stated): gnomAD 0.00003; TOPMed 0.00005.
gnomAD v4.1: 24 of 1,520,782 alleles (0.0016%); highest among the groups gnomAD compares: Admixed American, 0.013%; no homozygotes.

Submissions (2):

Labcorp Genetics (formerly Invitae), Labcorp
Classification: Uncertain significance. Last evaluated: 2025-06-12. Review status: criteria provided, single submitter. Criteria: Invitae Variant Classification Sherloc (09022015). Collection method: clinical testing. Allele origin: germline.
Comment: This sequence change replaces glycine, which is neutral and non-polar, with serine, which is neutral and polar, at codon 368 of the TRIM8 protein (p.Gly368Ser). This variant is present in population databases (rs35666765, gnomAD 0.009%). This variant has not been reported in the literature in individuals affected with TRIM8-related conditions. ClinVar contains an entry for this variant (Variation ID: 2909466). An algorithm developed to predict the effect of missense changes on protein structure and function outputs the following: PolyPhen-2: "Benign". The serine amino acid residue is found in multiple mammalian species, which suggests that this missense change does not adversely affect protein function. In summary, the available evidence is currently insufficient to determine the role of this variant in disease. Therefore, it has been classified as a Variant of Uncertain Significance.

Ambry Genetics
Classification: Uncertain significance for Inborn genetic diseases. Last evaluated: 2024-11-21. Review status: criteria provided, single submitter. Criteria: Ambry Variant Classification Scheme 2023. Collection method: clinical testing. Allele origin: germline.